The following is an entry in ClinVar:

ClinVar aggregate classification (germline): Uncertain significance (1 of 4 stars; one submission).

Conditions:
Febrile seizures, familial, 11 (FEB11). Also called: CONVULSIONS, FAMILIAL FEBRILE, 11. Identifiers: MedGen C3280734, MONDO:0024566, OMIM 614418.

Submission:

Labcorp Genetics (formerly Invitae), Labcorp
Classification: Uncertain significance for Febrile seizures, familial, 11. Last evaluated: 2019-11-11. Review status: criteria provided, single submitter. Criteria: Invitae Variant Classification Sherloc (09022015). Collection method: clinical testing. Allele origin: germline.
Comment: In summary, the available evidence is currently insufficient to determine the role of this variant in disease. Therefore, it has been classified as a Variant of Uncertain Significance. Algorithms developed to predict the effect of missense changes on protein structure and function are either unavailable or do not agree on the potential impact of this missense change (SIFT: "Deleterious"; PolyPhen-2: "Probably Damaging"; Align-GVGD: "Class C0"). This variant has not been reported in the literature in individuals with CPA6-related conditions. This variant is not present in population databases (ExAC no frequency). This sequence change replaces methionine with threonine at codon 235 of the CPA6 protein (p.Met235Thr). The methionine residue is moderately conserved and there is a moderate physicochemical difference between methionine and threonine.

NM_020361.5(CPA6):c.704T>C (p.Met235Thr)

Genes: ARFGEF1-DT (ARFGEF1 divergent transcript; plus strand), CPA6 (carboxypeptidase A6; minus strand). Cytogenetic location: 8q13.2.
Variant type: single nucleotide variant.
Coding change: c.704T>C on transcript NM_020361.5 (MANE Select); coding-DNA position 704, T replaced by C.
Protein change: p.Met235Thr; replaces methionine 235 with threonine.
Molecular consequence: missense variant.
Genome position (GRCh38, 1-based): chr8:67,484,722, A>G on the plus strand (T>C on the coding strand, the complement: CPA6 is on the minus strand). VCF-style: chr8-67484722-A-G. GRCh37 (hg19) VCF-style: chr8-68396957-A-G.
Other names: short protein forms M235T.
Identifiers: ClinVar variation 968816 (VCV000968816.9), dbSNP rs1811438785, ClinGen allele CA371261068.